The following is an entry in ClinVar:

NM_002519.3(NPAT):c.3941C>G (p.Pro1314Arg)

Gene: NPAT (nuclear protein, coactivator of histone transcription; minus strand). Cytogenetic location: 11q22.3.
Variant type: single nucleotide variant.
Coding change: c.3941C>G on transcript NM_002519.3 (MANE Select); coding-DNA position 3941, C replaced by G.
Protein change: p.Pro1314Arg; replaces proline 1314 with arginine.
Molecular consequence: missense variant.
Genome position (GRCh38, 1-based): chr11:108,161,145, G>C on the plus strand (C>G on the coding strand, the complement: NPAT is on the minus strand). VCF-style: chr11-108161145-G-C. GRCh37 (hg19) VCF-style: chr11-108031872-G-C.
Other names: c.3962C>G, p.Pro1321Arg (NM_001321307.1); c.3941C>G (NM_002519.2); short protein forms P1321R, P1314R.
Identifiers: ClinVar variation 2794633 (VCV002794633.4), dbSNP rs2496693967, ClinGen allele CA382509712.

ClinVar aggregate classification (germline): Uncertain significance. Review status: criteria provided, multiple submitters, no conflicts (2 of 4 stars). 2 submissions from 2 submitters: Uncertain significance (2). Last evaluated 2023-11-05.

gnomAD v4.1: 2 of 1,614,164 alleles (0.00012%); highest among the groups gnomAD compares: Non-Finnish European, 0.00017%; no homozygotes.

Submissions (2):

Ambry Genetics
Classification: Uncertain significance. Last evaluated: 2023-11-05. Review status: criteria provided, single submitter. Criteria: Ambry Variant Classification Scheme 2023. Collection method: clinical testing. Allele origin: germline.
Comment: The p.P1314R variant (also known as c.3941C>G), located in coding exon 17 of the NPAT gene, results from a C to G substitution at nucleotide position 3941. The proline at codon 1314 is replaced by arginine, an amino acid with dissimilar properties. This amino acid position is conserved. In addition, this alteration is predicted to be deleterious by in silico analysis. Since supporting evidence is limited at this time, the clinical significance of this alteration remains unclear.

Labcorp Genetics (formerly Invitae), Labcorp
Classification: Uncertain significance. Last evaluated: 2023-08-29. Review status: criteria provided, single submitter. Criteria: Invitae Variant Classification Sherloc (09022015). Collection method: clinical testing. Allele origin: germline.
Comment: This sequence change replaces proline, which is neutral and non-polar, with arginine, which is basic and polar, at codon 1314 of the NPAT protein (p.Pro1314Arg). This variant is not present in population databases (gnomAD no frequency). This variant has not been reported in the literature in individuals affected with NPAT-related conditions. An algorithm developed to predict the effect of missense changes on protein structure and function (PolyPhen-2) suggests that this variant is likely to be disruptive. In summary, the available evidence is currently insufficient to determine the role of this variant in disease. Therefore, it has been classified as a Variant of Uncertain Significance.